The following is an entry in ClinVar:

ClinVar aggregate classification (germline): Likely benign. Review status: criteria provided, multiple submitters, no conflicts (2 of 4 stars). 3 submissions from 3 submitters: Likely benign (3). Last evaluated 2023-06-26.

Conditions:
Cardiomyopathy (CMYO). Also called: Cardiomyopathies. Identifiers: Orphanet 167848, MedGen C0878544, MONDO:0004994, HP:0001638. Inheritance: Various modes of inheritance.
Arrhythmogenic right ventricular dysplasia 10. Also called: Arrhythmogenic right ventricular dysplasia/cardiomyopathy, type 10; Arrhythmogenic Right Ventricular Dysplasia/Cardiomyopathy10; ARRHYTHMOGENIC RIGHT VENTRICULAR DYSPLASIA, FAMILIAL, 10. Identifiers: MedGen C1857777, MONDO:0012434, OMIM 610193.
Arrhythmogenic right ventricular cardiomyopathy (ARVD). Also called: Cardiomyopathy, ARVC; Arrhythmogenic right ventricular dysplasia; Arrhythmogenic cardiomyopathy; Arrhythmogenic Right Ventricular Cardiomyopathy (ARVC). Identifiers: Orphanet 247, MedGen C0349788, MeSH D019571, MONDO:0016587. Disease mechanism: loss of function. Inheritance: Various modes of inheritance.

Allele frequency attached by ClinVar (database versions not stated): gnomAD exomes 0.00001.
gnomAD v4.1: 14 of 1,614,070 alleles (0.00087%); highest among the groups gnomAD compares: Non-Finnish European, 0.0012%; no homozygotes.

Submissions (3):

All of Us Research Program, National Institutes of Health
Classification: Likely benign for Arrhythmogenic right ventricular cardiomyopathy. Last evaluated: 2023-06-26. Review status: criteria provided, single submitter. Criteria: ACMG Guidelines, 2015. Collection method: clinical testing. Allele origin: germline. Inheritance: Autosomal dominant inheritance. Observed: 1 variant allele, 1 heterozygote.
Comment: This study involves interpretation of variants in research participants for the purpose of population health screening. Participant phenotype was not available at the time of variant classification. Additional details can be found in publication PMID: 35346344, PMCID: PMC8962531

Color Diagnostics, LLC DBA Color Health
Classification: Likely benign for Cardiomyopathy. Last evaluated: 2022-11-06. Review status: criteria provided, single submitter. Criteria: ACMG Guidelines, 2015. Collection method: clinical testing. Allele origin: germline.

Labcorp Genetics (formerly Invitae), Labcorp
Classification: Likely benign for Arrhythmogenic right ventricular dysplasia 10. Last evaluated: 2021-08-24. Review status: criteria provided, single submitter. Criteria: Invitae Variant Classification Sherloc (09022015). Collection method: clinical testing. Allele origin: germline.

NM_001943.5(DSG2):c.1995A>G (p.Glu665=)

Gene: DSG2 (desmoglein 2; plus strand). Cytogenetic location: 18q12.1.
Variant type: single nucleotide variant.
Coding change: c.1995A>G on transcript NM_001943.5 (MANE Select); coding-DNA position 1995, A replaced by G.
Protein change: p.Glu665=; no amino-acid change (glutamic acid 665 retained).
Molecular consequence: synonymous variant.
Genome position (GRCh38, 1-based): chr18:31,541,308, A>G. VCF-style: chr18-31541308-A-G. GRCh37 (hg19) VCF-style: chr18-29121271-A-G.
Identifiers: ClinVar variation 1567911 (VCV001567911.5), dbSNP rs2144350890, ClinGen allele CA503597184.